The following is an entry in ClinVar:

ClinVar aggregate classification (germline): Likely benign (1 of 4 stars; one submission).

Submission:

Center for Genomic Medicine, Rigshospitalet, Copenhagen University Hospital
Classification: Likely benign. Last evaluated: 2025-12-29. Review status: criteria provided, single submitter. Criteria: ACMG Guidelines, 2015. Collection method: clinical testing. Allele origin: germline.
Comment: Classification criteria: BP4, BP7

NM_002691.4(POLD1):c.3218+23G>T

Gene: POLD1 (DNA polymerase delta 1, catalytic subunit; plus strand). Cytogenetic location: 19q13.33.
Variant type: single nucleotide variant.
Coding change: c.3218+23G>T on transcript NM_002691.4 (MANE Select); 23 bases into the intron after coding-DNA position 3218, G replaced by T.
Molecular consequence: intron variant.
Genome position (GRCh38, 1-based): chr19:50,417,292, G>T. VCF-style: chr19-50417292-G-T. GRCh37 (hg19) VCF-style: chr19-50920549-G-T.
Other names: c.3218+23G>T (NM_001256849.1, NM_001438212.1, NM_001438213.1); c.3146+23G>T (NM_001438210.1, NM_001438211.1); c.3296+23G>T (NM_001308632.1).
Identifiers: ClinVar variation 4539037 (VCV004539037.1).
Genomic context (GRCh38, chr19:50,417,292, plus strand): 5'-TGCCAGGGCAGCCTGCACGAGGACGTCATCTGCACCAGGTGTGTGCCATGTCCCGACCCT[G>T]GGCTGCCCCGCCCCTTCCCAGCTCCCAGGCCTGTGGGTTGTGGACCCAACCTCTGACTCC-3'